The following is an entry in ClinVar:

ClinVar aggregate classification (germline): Pathogenic/Likely pathogenic. Review status: criteria provided, multiple submitters, no conflicts (2 of 4 stars). 3 submissions from 3 submitters: Pathogenic (1); Likely pathogenic (2). Last evaluated 2025-07-21.

Conditions:
Peroxisome biogenesis disorder. Identifiers: Orphanet 79189, MedGen C1832200, MONDO:0019234. Disease mechanism: loss of function.
Zellweger spectrum disorders (ZS). Also called: Zellweger syndrome; Zellweger Spectrum Disorder (ZSD); Zellweger Spectrum Disorder; Zellweger Spectrum. Identifiers: Orphanet 912, MedGen C0043459, MONDO:0019609.
Peroxisome biogenesis disorder 6A (Zellweger). Also called: Peroxisome biogenesis disorder 6A. Identifiers: Orphanet 912, MedGen C3553947, MONDO:0013936, OMIM 614870.

Submissions (3):

Natera, Inc.
Classification: Likely pathogenic for Zellweger syndrome. Last evaluated: 2025-07-21. Review status: criteria provided, single submitter. Criteria: Natera Variant Classification Schema (03/2026). Collection method: clinical testing. Allele origin: germline.
Comment: The c.346_363delGAGCTGCAGGCTGACCCCinsTGGGCCCCTG variant in PEX10 is a frameshift variant predicted to shift the reading frame beginning at codon 116 and leads to a stop codon 36 codons downstream. This variant is expected to result in nonsense mediated decay, truncation, or a dysfunctional protein product. This variant is rare in the general population with a frequency below the threshold expected for the associated phenotype(s). Given the available evidence, this variant is classified as Likely Pathogenic.

Women's Health and Genetics/Laboratory Corporation of America, LabCorp
Classification: Pathogenic for Peroxisome biogenesis disorder. Last evaluated: 2024-08-09. Review status: criteria provided, single submitter. Criteria: LabCorp Variant Classification Summary - May 2015. Collection method: clinical testing. Allele origin: germline.
Comment: Variant summary: PEX10 c.346_363delins10 (p.Glu116TrpfsX36) results in a premature termination codon, predicted to cause a truncation of the encoded protein or absence of the protein due to nonsense mediated decay, which are commonly known mechanisms for disease. The variant was absent in 246664 control chromosomes. To our knowledge, no occurrence of c.346_363delins10 in individuals affected with Zellweger Syndrome and no experimental evidence demonstrating its impact on protein function have been reported. No submitters have cited clinical-significance assessments for this variant to ClinVar. Based on the evidence outlined above, the variant was classified as pathogenic.

Baylor Genetics
Classification: Likely pathogenic for Peroxisome biogenesis disorder 6A (Zellweger). Last evaluated: 2024-02-13. Review status: criteria provided, single submitter. Criteria: ACMG Guidelines, 2015. Collection method: clinical testing. Allele origin: unknown.

NM_002617.4(PEX10):c.346_363delinsTGGGCCCCTG (p.Glu116fs)

Gene: PEX10 (peroxisomal biogenesis factor 10; minus strand). Cytogenetic location: 1p36.32.
Variant type: Indel.
Coding change: c.346_363delinsTGGGCCCCTG on transcript NM_002617.4 (MANE Select); coding-DNA positions 346 to 363, GAGCTGCAGGCTGACCCC replaced by TGGGCCCCTG.
Protein change: p.Glu116fs; shifts the reading frame from glutamic acid 116.
Molecular consequence: frameshift variant. On other transcripts: 5 prime UTR variant (2), non-coding transcript variant (1).
Genome position (GRCh38, 1-based): chr1:2,408,689-2,408,706, GGGGTCAGCCTGCAGCTC replaced by CAGGGGCCCA on the plus strand (GAGCTGCAGGCTGACCCC replaced by TGGGCCCCTG on the coding strand, the reverse complement: PEX10 is on the minus strand). VCF-style: chr1-2408689-GGGGTCAGCCTGCAGCTC-CAGGGGCCCA. GRCh37 (hg19) VCF-style: chr1-2340128-GGGGTCAGCCTGCAGCTC-CAGGGGCCCA.
Other names: c.346_363delinsTGGGCCCCTG, p.Glu116fs (NM_001374425.1, NM_153818.2); c.-87_-70delinsTGGGCCCCTG (NM_001374426.1, NM_001374427.1); c.346_363delGAGCTGCAGGCTGACCCCinsTGGGCCCCTG (NM_153818.1); short protein forms E116fs.
Identifiers: ClinVar variation 2677653 (VCV002677653.4), dbSNP rs2522278322, ClinGen allele CA2695197952.